The following is an entry in ClinVar:

NM_001430.5(EPAS1):c.649C>T (p.Pro217Ser)

Genes: EPAS1 (endothelial PAS domain protein 1; plus strand), LOC126806210 (BRD4-independent group 4 enhancer GRCh37_chr2:46587586-46588785; plus strand). Cytogenetic location: 2p21.
Variant type: single nucleotide variant.
Coding change: c.649C>T on transcript NM_001430.5 (MANE Select); coding-DNA position 649, C replaced by T.
Protein change: p.Pro217Ser; replaces proline 217 with serine.
Molecular consequence: missense variant.
Genome position (GRCh38, 1-based): chr2:46,360,960, C>T. VCF-style: chr2-46360960-C-T. GRCh37 (hg19) VCF-style: chr2-46588099-C-T.
Other names: short protein forms P217S.
Identifiers: ClinVar variation 1753869 (VCV001753869.2), dbSNP rs762754699, ClinGen allele CA346700022.

ClinVar aggregate classification (germline): Uncertain significance (1 of 4 stars; one submission).

Conditions:
Inborn genetic diseases. Identifiers: MedGen C0950123, MeSH D030342.

Submission:

Ambry Genetics
Classification: Uncertain significance for Inborn genetic diseases. Last evaluated: 2021-07-26. Review status: criteria provided, single submitter. Criteria: Ambry Variant Classification Scheme 2023. Collection method: clinical testing. Allele origin: germline.
Comment: The p.P217S variant (also known as c.649C>T), located in coding exon 6 of the EPAS1 gene, results from a C to T substitution at nucleotide position 649. The proline at codon 217 is replaced by serine, an amino acid with similar properties. This amino acid position is conserved. In addition, this alteration is predicted to be tolerated by in silico analysis. Since supporting evidence is limited at this time, the clinical significance of this alteration remains unclear.